The following is an entry in ClinVar:

ClinVar aggregate classification (germline): Benign. Review status: criteria provided, multiple submitters, no conflicts (2 of 4 stars). 6 submissions from 6 submitters: Benign (5). 1 of the submissions does not count toward it. Last evaluated 2026-02-03.

Conditions:
Achromatopsia 2 (ACHM2). Also called: COLORBLINDNESS, TOTAL; ROD MONOCHROMACY 2; ROD MONOCHROMATISM 2. Identifiers: Orphanet 49382, MedGen C1857618, MONDO:0009003, OMIM 216900.

Allele frequency attached by ClinVar (database versions not stated): gnomAD exomes 0.13269 and 0.16471; 1000 Genomes Project 30x 0.09104; 1000 Genomes Project 0.08986; gnomAD 0.13579 and 0.13838; ExAC 0.13863; TOPMed 0.13861; ESP Exome Variant Server 0.15378.
gnomAD v4.1: 260,500 of 1,613,068 alleles (16%); highest among the groups gnomAD compares: Non-Finnish European, 18%; 22,881 homozygotes.

Submissions (6):

Labcorp Genetics (formerly Invitae), Labcorp
Classification: Benign. Last evaluated: 2026-02-03. Review status: criteria provided, single submitter. Criteria: Invitae Variant Classification Sherloc (09022015). Collection method: clinical testing. Allele origin: germline.

Illumina Laboratory Services, Illumina
Classification: Benign for Achromatopsia 2. Last evaluated: 2018-01-12. Review status: criteria provided, single submitter. Criteria: ICSL Variant Classification Criteria 13 December 2019. Collection method: clinical testing. Allele origin: germline.
Comment: This variant was observed in the ICSL laboratory as part of a predisposition screen in an ostensibly healthy population. It had not been previously curated by ICSL or reported in the Human Gene Mutation Database (HGMD: prior to June 1st, 2018), and was therefore a candidate for classification through an automated scoring system. Utilizing variant allele frequency, disease prevalence and penetrance estimates, and inheritance mode, an automated score was calculated to assess if this variant is too frequent to cause the disease. Based on the score and internal cut-off values, a variant classified as benign is not then subjected to further curation. The score for this variant resulted in a classification of benign for this disease.

GeneDx
Classification: Benign. Last evaluated: 2015-03-03. Review status: criteria provided, single submitter. Criteria: GeneDx Variant Classification Process June 2021. Collection method: clinical testing. Allele origin: germline. Affected: yes.

Breakthrough Genomics
Classification: Benign. Review status: criteria provided, single submitter. Criteria: ACMG Guidelines, 2015. Collection method: not provided. Allele origin: germline. Inheritance: Autosomal recessive inheritance. Affected: yes.

PreventionGenetics, part of Exact Sciences
Classification: Benign. Review status: criteria provided, single submitter. Criteria: ACMG Guidelines, 2015. Collection method: clinical testing. Allele origin: germline.

Molecular Genetics Laboratory, Institute for Ophthalmic Research
Classification: Benign for Achromatopsia 2. Last evaluated: 2021-04-15. Review status: no assertion criteria provided. Collection method: research. Allele origin: germline. Affected: yes. Not counted in ClinVar's aggregate classification.

NM_001298.3(CNGA3):c.72T>C (p.Asp24=)

Gene: CNGA3 (cyclic nucleotide gated channel subunit alpha 3; plus strand). Cytogenetic location: 2q11.2.
Variant type: single nucleotide variant.
Coding change: c.72T>C on transcript NM_001298.3 (MANE Select); coding-DNA position 72, T replaced by C.
Protein change: p.Asp24=; no amino-acid change (aspartic acid 24 retained).
Molecular consequence: synonymous variant.
Genome position (GRCh38, 1-based): chr2:98,370,047, T>C. VCF-style: chr2-98370047-T-C. GRCh37 (hg19) VCF-style: chr2-98986510-T-C.
Other names: c.72T>C, p.Asp24= (NM_001079878.2).
Identifiers: ClinVar variation 257964 (VCV000257964.19), dbSNP rs6727412, ClinGen allele CA1793547.
Genomic context (GRCh38, chr2:98,370,047, plus strand): 5'-CAACACCCAATACTCCCACCCCTCCAGGACCCACCTCAAGGTAAAGACCTCAGACCGAGA[T>C]CTCAATCGCGCTGAAAATGGCCTCAGCAGGTAAGATGGGCTAAGATGGGCTTTTCATTTT-3'
Protein context (NP_001289.1, residues 14-34): THLKVKTSDR[Asp24=]LNRAENGLSR